The following is an entry in ClinVar:

ClinVar aggregate classification (germline): Pathogenic (1 of 4 stars; one submission).

Submission:

Quest Diagnostics Nichols Institute San Juan Capistrano
Classification: Pathogenic. Last evaluated: 2021-10-19. Review status: criteria provided, single submitter. Criteria: ACMG/ClinGen CNV Guidelines, 2019. Collection method: clinical testing. Allele origin: unknown.
Comment: This large interstitial deletion, based on size and gene content, is expected to cause phenotypic and/or developmental abnormalities. This deletion involves numerous genes including FZD4 (OMIM 604579) and YAP1 (OMIM 606608) and DLG2 (OMIM 603583). Haploinsufficiency of FZD4 is associated with autosomal dominant familial exudative vitreoretinopathy-1 (OMIM 133780; Li et al., Invest Ophthalmol Vis Sci. 2018 Nov 1;59(13):5368-5381. PMID: 30452590; Tian et al., Mol Vis. 2019 Feb 7;25:60-69. PMID: 30820142), an inherited disorder characterized by the incomplete development of the retinal vasculature. Heterozygous sequence variants, as well as one large deletion involving YAP1 have been associated with autosomal dominant ocular coloboma with or without hearing impairment, cleft lip/palate, and/or intellectual disability (OMIM 120433; Williamson KA et al., Am J Hum Genet. 2014 Feb 6;94(2):295-302. PMID: 24462371; Holt et al., Sci Rep. 2017 Aug 11;7(1):7975. PMID: 28801591). In addition, there is emerging information suggesting deletions of this gene maybe a risk factor for neurodevelopmental disorders (Reggiani et al. Genome Med. 2017 Jul 19;9(1):67. PMID: 28724449; Di Gregorio et al.,Clin Genet. 2017 Oct;92(4):415-422., PMID: 28295210). Sequence variations and intragenic deletions of DLG2 are also being evaluated with regard to schizophrenia (Kushima et al., Mol Psychiatry. 2017 Mar;22(3):430-440., PMID: 27240532; Ingason et al. Transl Psychiatry. 2015 Oct 13;5:e656. PMID: 26460480; Georgieva et al. Hum Mol Genet. 2014 Dec 15;23(24):6677-83. PMID: 25055870). The authors summarized previously published deletions over this region of variable size and gene content. They implicated GRM5 (encompassed in this deletion) and GRIA4 (not encompassed) in association with severity of developmental delay. The other features were variable and genotype-phenotype correlation could not be established. Further, this deletion interval includes genes that are associated with autosomal dominant phenotypes: TYR (OMIM 601800), TRPC6 (OMIM 603965) and autosomal recessive phenotypes: CTSC (OMIM 245010, 245000, 170650), MRE11 (OMIM 604391), and MTMR2 (OMIM 601382).

GRCh37/hg19 11q14.1-22.3(chr11:81478509-104667040)x1

Genes: AMOTL1 (angiomotin like 1; plus strand), ANGPTL5 (angiopoietin like 5; minus strand), ANKRD42 (ankyrin repeat domain 42; plus strand), ANKRD49 (ankyrin repeat domain 49; plus strand), ARHGAP42 (Rho GTPase activating protein 42; plus strand) and 89 more. Cytogenetic location: 11q14.1-22.3.
Variant type: copy number loss.
Change: copy number 1 (one copy instead of two) of chr11:81,478,509-104,667,040 (23.19 Mb, GRCh37 coordinates, 1-based), cytogenetic band 11q14.1-22.3.
Identifiers: ClinVar variation 1809349 (VCV001809349.1).